The following is an entry in ClinVar:

ClinVar aggregate classification (germline): Uncertain significance (1 of 4 stars; one submission).

Submission:

GeneDx
Classification: Uncertain significance. Last evaluated: 2024-05-08. Review status: criteria provided, single submitter. Criteria: GeneDx Variant Classification Process June 2021. Collection method: clinical testing. Allele origin: germline. Affected: yes.
Comment: Not observed at significant frequency in large population cohorts (gnomAD); In silico analysis supports that this missense variant has a deleterious effect on protein structure/function; Has not been previously published as pathogenic or benign to our knowledge

NM_001693.4(ATP6V1B2):c.1190C>T (p.Ser397Leu)

Gene: ATP6V1B2 (ATPase H+ transporting V1 subunit B2; plus strand). Cytogenetic location: 8p21.3.
Variant type: single nucleotide variant.
Coding change: c.1190C>T on transcript NM_001693.4 (MANE Select); coding-DNA position 1190, C replaced by T.
Protein change: p.Ser397Leu; replaces serine 397 with leucine.
Molecular consequence: missense variant.
Genome position (GRCh38, 1-based): chr8:20,217,248, C>T. VCF-style: chr8-20217248-C-T. GRCh37 (hg19) VCF-style: chr8-20074759-C-T.
Other names: short protein forms S397L.
Identifiers: ClinVar variation 3375649 (VCV003375649.1).
Genomic context (GRCh38, chr8:20,217,248, plus strand): 5'-TATAGTATTTTTTCCCTCTCATTCTACCCAAGATTTATCCACCTATCAATGTGCTGCCCT[C>T]ACTATCACGGTTAATGAAGTCTGCTATTGGAGAAGGGATGACCAGGAAGGATCATGCCGA-3'
Protein context (NP_001684.2, residues 387-407): QIYPPINVLP[Ser397Leu]LSRLMKSAIG